The following is an entry in ClinVar:

NC_000011.9:g.(?_116660844)_(117870356_?)del

Genes: BACE1 (beta-secretase 1; minus strand), BACE1-AS (BACE1 antisense RNA; plus strand), TAGLN (transgelin; plus strand), APOA1 (apolipoprotein A1; minus strand), APOA4 (apolipoprotein A4; minus strand) and 14 more. Cytogenetic location: 11q23.3.
Variant type: Deletion.
Identifiers: ClinVar variation 2426021 (VCV002426021.3).

ClinVar aggregate classification (germline): Uncertain significance. Review status: criteria provided, single submitter (1 of 4 stars). 2 submissions from 1 submitter: Uncertain significance (1). 1 of the submissions does not count toward it. Last evaluated 2022-06-13.

Conditions:
Nephronophthisis 15 (NPHP15). Identifiers: Orphanet 3156, MedGen C3541853, MONDO:0013917, OMIM 614845.

Submissions (2):

Labcorp Genetics (formerly Invitae), Labcorp
Classification: Uncertain significance. Last evaluated: 2022-06-13. Review status: criteria provided, single submitter. Criteria: Invitae Variant Classification Sherloc (09022015). Collection method: clinical testing. Allele origin: germline.
Comment: A gross deletion of the genomic region encompassing the full coding sequence of the DSCAML1 gene has been identified. The current clinical and genetic evidence is not sufficient to establish whether loss-of-function variants in DSCAML1 cause disease. The boundaries of this event are unknown as they extend beyond the assayed region for this gene and therefore may encompass additional genes. This variant has not been reported in the literature in individuals affected with DSCAML1-related conditions. In summary, the available evidence is currently insufficient to determine the role of this variant in disease. Therefore, it has been classified as a Variant of Uncertain Significance.

Labcorp Genetics (formerly Invitae), Labcorp
Classification: Pathogenic for Nephronophthisis 15. Last evaluated: 2022-06-13. Review status: flagged submission. Criteria: Invitae Variant Classification Sherloc (09022015). Collection method: clinical testing. Allele origin: germline. Not counted in ClinVar's aggregate classification.
Comment: A gross deletion of the genomic region encompassing the full coding sequence of the CEP164 gene has been identified. Loss-of-function variants in CEP164 are known to be pathogenic (PMID: 22863007, 28125082, 32367404, 34132027, 34499853). The boundaries of this event are unknown as they extend beyond the assayed region for this gene and therefore may encompass additional genes. This variant has not been reported in the literature in individuals affected with CEP164-related conditions. For these reasons, this variant has been classified as Pathogenic.
ClinVar note: Reason: This record appears to be redundant with a more recent record from the same submitter.
ClinVar note: Notes: SCV003793904 appears to be redundant with SCV003791727.

Literature cited by the submitters: PubMed 22863007; PubMed 28125082; PubMed 32367404; PubMed 34132027; PubMed 34499853.